The following is an entry in ClinVar:

ClinVar aggregate classification (germline): Uncertain significance (1 of 4 stars; one submission).

Allele frequency attached by ClinVar (database versions not stated): gnomAD exomes 0.00001; ExAC 0.00002; gnomAD 0.00005; TOPMed 0.00005; ESP Exome Variant Server 0.00015.
gnomAD v4.1: 31 of 1,613,908 alleles (0.0019%); highest among the groups gnomAD compares: African/African-American, 0.019%; no homozygotes.

Submission:

Labcorp Genetics (formerly Invitae), Labcorp
Classification: Uncertain significance. Last evaluated: 2023-03-20. Review status: criteria provided, single submitter. Criteria: Invitae Variant Classification Sherloc (09022015). Collection method: clinical testing. Allele origin: germline.
Comment: This variant is present in population databases (rs145233171, gnomAD 0.02%). This sequence change replaces valine, which is neutral and non-polar, with methionine, which is neutral and non-polar, at codon 435 of the CAMTA1 protein (p.Val435Met). This variant has not been reported in the literature in individuals affected with CAMTA1-related conditions. Algorithms developed to predict the effect of missense changes on protein structure and function output the following: SIFT: "Not Available"; PolyPhen-2: "Benign"; Align-GVGD: "Not Available". The methionine amino acid residue is found in multiple mammalian species, which suggests that this missense change does not adversely affect protein function. In summary, the available evidence is currently insufficient to determine the role of this variant in disease. Therefore, it has been classified as a Variant of Uncertain Significance.

NM_015215.4(CAMTA1):c.1303G>A (p.Val435Met)

Gene: CAMTA1 (calmodulin binding transcription activator 1; plus strand). Cytogenetic location: 1p36.23.
Variant type: single nucleotide variant.
Coding change: c.1303G>A on transcript NM_015215.4 (MANE Select); coding-DNA position 1303, G replaced by A.
Protein change: p.Val435Met; replaces valine 435 with methionine.
Molecular consequence: missense variant.
Genome position (GRCh38, 1-based): chr1:7,663,850, G>A. VCF-style: chr1-7663850-G-A. GRCh37 (hg19) VCF-style: chr1-7723910-G-A.
Other names: c.1213G>A, p.Val405Met (NM_001349608.2, NM_001349612.2); c.1303G>A, p.Val435Met (NM_001349609.2, NM_001349610.2, NM_001410737.1); c.1231G>A, p.Val411Met (NM_001410738.1); short protein forms V405M, V411M, V435M.
Identifiers: ClinVar variation 2714097 (VCV002714097.3), dbSNP rs145233171, ClinGen allele CA566422.
Genomic context (GRCh38, chr1:7,663,850, plus strand): 5'-ACCGCTGGCCCCAACCACCACCTCCTCTCACCTGACGCCTCTCAGGGCCTCGTCCTGGCC[G>A]TGAGCTCTGATGGCCACAAGTTCGCCTTTCCCACCACGGGCAGCTCGGAGAGCCTGTCCA-3'
Protein context (NP_056030.1, residues 425-445): PDASQGLVLA[Val435Met]SSDGHKFAFP